The following is an entry in ClinVar:

ClinVar aggregate classification (germline): Uncertain significance (1 of 4 stars; one submission).

Conditions:
Noonan syndrome 9 (NS9). Identifiers: Orphanet 648, MedGen C4225282, MONDO:0014691, OMIM 616559.

Submission:

Labcorp Genetics (formerly Invitae), Labcorp
Classification: Uncertain significance for Noonan syndrome 9. Last evaluated: 2022-03-19. Review status: criteria provided, single submitter. Criteria: Invitae Variant Classification Sherloc (09022015). Collection method: clinical testing. Allele origin: germline.
Comment: This variant is not present in population databases (gnomAD no frequency). This sequence change replaces isoleucine, which is neutral and non-polar, with methionine, which is neutral and non-polar, at codon 596 of the SOS2 protein (p.Ile596Met). This variant has not been reported in the literature in individuals affected with SOS2-related conditions. Algorithms developed to predict the effect of missense changes on protein structure and function are either unavailable or do not agree on the potential impact of this missense change (SIFT: "Deleterious"; PolyPhen-2: "Possibly Damaging"; Align-GVGD: "Class C0"). In summary, the available evidence is currently insufficient to determine the role of this variant in disease. Therefore, it has been classified as a Variant of Uncertain Significance.

NM_006939.4(SOS2):c.1788C>G (p.Ile596Met)

Gene: SOS2 (SOS Ras/Rho guanine nucleotide exchange factor 2; minus strand). Cytogenetic location: 14q21.3.
Variant type: single nucleotide variant.
Coding change: c.1788C>G on transcript NM_006939.4 (MANE Select); coding-DNA position 1788, C replaced by G.
Protein change: p.Ile596Met; replaces isoleucine 596 with methionine.
Molecular consequence: missense variant.
Genome position (GRCh38, 1-based): chr14:50,159,495, G>C on the plus strand (C>G on the coding strand, the complement: SOS2 is on the minus strand). VCF-style: chr14-50159495-G-C. GRCh37 (hg19) VCF-style: chr14-50626213-G-C.
Other names: short protein forms I596M.
Identifiers: ClinVar variation 1484463 (VCV001484463.8), dbSNP rs2139627990, ClinGen allele CA389644967.
Genomic context (GRCh38, chr14:50,159,495, plus strand): 5'-ATACATATGATATGTTAACCTTTCAATTAATTTCACTACAGTTCCTCCTTTAATAATGGG[G>C]ATGCCACTTCTACTTTGCAAGTTGTCTTCAAAAACAATGTTTTCCTCAGAGTCTTTTACT-3'
Protein context (NP_008870.2, residues 586-606): FEDNLQSRSG[Ile596Met]PIIKGGTVVK